The following is an entry in ClinVar:

ClinVar aggregate classification (germline): Uncertain significance (1 of 4 stars; one submission).

Submission:

Labcorp Genetics (formerly Invitae), Labcorp
Classification: Uncertain significance. Last evaluated: 2024-11-05. Review status: criteria provided, single submitter. Criteria: Invitae Variant Classification Sherloc (09022015). Collection method: clinical testing. Allele origin: germline.
Comment: This sequence change replaces valine, which is neutral and non-polar, with leucine, which is neutral and non-polar, at codon 786 of the PACS2 protein (p.Val786Leu). This variant is not present in population databases (gnomAD no frequency). This variant has not been reported in the literature in individuals affected with PACS2-related conditions. An algorithm developed to predict the effect of missense changes on protein structure and function (PolyPhen-2) suggests that this variant is likely to be tolerated. In summary, the available evidence is currently insufficient to determine the role of this variant in disease. Therefore, it has been classified as a Variant of Uncertain Significance.

NM_001100913.3(PACS2):c.2356G>C (p.Val786Leu)

Gene: PACS2 (phosphofurin acidic cluster sorting protein 2; plus strand). Cytogenetic location: 14q32.33.
Variant type: single nucleotide variant.
Coding change: c.2356G>C on transcript NM_001100913.3 (MANE Select); coding-DNA position 2356, G replaced by C.
Protein change: p.Val786Leu; replaces valine 786 with leucine.
Molecular consequence: missense variant.
Genome position (GRCh38, 1-based): chr14:105,392,719, G>C. VCF-style: chr14-105392719-G-C. GRCh37 (hg19) VCF-style: chr14-105859056-G-C.
Other names: c.2086G>C, p.Val696Leu (NM_001243127.3); c.2311G>C, p.Val771Leu (NM_015197.4); short protein forms V696L, V771L, V786L.
Identifiers: ClinVar variation 3685707 (VCV003685707.2).